The following is an entry in ClinVar:

ClinVar aggregate classification (germline): Uncertain significance (1 of 4 stars; one submission).

Conditions:
Chédiak-Higashi syndrome (CHS). Also called: Chediak-Higashi Syndrome. Identifiers: Orphanet 167, MedGen C0007965, MONDO:0008963, OMIM 214500.

gnomAD v4.1: 1 of 1,613,610 alleles (0.000062%); no homozygotes.

Submission:

Labcorp Genetics (formerly Invitae), Labcorp
Classification: Uncertain significance for Chédiak-Higashi syndrome. Last evaluated: 2022-06-23. Review status: criteria provided, single submitter. Criteria: Invitae Variant Classification Sherloc (09022015). Collection method: clinical testing. Allele origin: germline.
Comment: This sequence change replaces alanine, which is neutral and non-polar, with valine, which is neutral and non-polar, at codon 2564 of the LYST protein (p.Ala2564Val). This variant is not present in population databases (gnomAD no frequency). This variant has not been reported in the literature in individuals affected with LYST-related conditions. Algorithms developed to predict the effect of missense changes on protein structure and function are either unavailable or do not agree on the potential impact of this missense change (SIFT: "Deleterious"; PolyPhen-2: "Probably Damaging"; Align-GVGD: "Class C0"). In summary, the available evidence is currently insufficient to determine the role of this variant in disease. Therefore, it has been classified as a Variant of Uncertain Significance.

NM_000081.4(LYST):c.7691C>T (p.Ala2564Val)

Gene: LYST (lysosomal trafficking regulator; minus strand). Cytogenetic location: 1q42.3.
Variant type: single nucleotide variant.
Coding change: c.7691C>T on transcript NM_000081.4 (MANE Select); coding-DNA position 7691, C replaced by T.
Protein change: p.Ala2564Val; replaces alanine 2564 with valine.
Molecular consequence: missense variant.
Genome position (GRCh38, 1-based): chr1:235,751,299, G>A on the plus strand (C>T on the coding strand, the complement: LYST is on the minus strand). VCF-style: chr1-235751299-G-A. GRCh37 (hg19) VCF-style: chr1-235914599-G-A.
Other names: c.7691C>T, p.Ala2564Val (NM_001301365.1); short protein forms A2564V.
Identifiers: ClinVar variation 2012336 (VCV002012336.1), dbSNP rs928161414, ClinGen allele CA39612149.